The following is an entry in ClinVar:

NM_002354.3(EPCAM):c.619G>A (p.Val207Met)

Gene: EPCAM (epithelial cell adhesion molecule; plus strand). Cytogenetic location: 2p21.
Variant type: single nucleotide variant.
Coding change: c.619G>A on transcript NM_002354.3 (MANE Select); coding-DNA position 619, G replaced by A.
Protein change: p.Val207Met; replaces valine 207 with methionine.
Molecular consequence: missense variant.
Genome position (GRCh38, 1-based): chr2:47,379,016, G>A. VCF-style: chr2-47379016-G-A. GRCh37 (hg19) VCF-style: chr2-47606155-G-A.
Other names: short protein forms V207M.
Identifiers: ClinVar variation 1752154 (VCV001752154.2), dbSNP rs2103757175, ClinGen allele CA346724221.

ClinVar aggregate classification (germline): Uncertain significance (1 of 4 stars; one submission).

Conditions:
Hereditary cancer-predisposing syndrome. Also called: Hereditary Cancer Syndrome; Hereditary neoplastic syndrome; Neoplastic Syndromes, Hereditary; Tumor predisposition. Identifiers: Orphanet 140162, MedGen C0027672, MeSH D009386, MONDO:0015356.

Allele frequency attached by ClinVar (database versions not stated): gnomAD exomes below 0.00001.
gnomAD v4.1: 1 of 1,602,332 alleles (0.000062%); highest among the groups gnomAD compares: African/African-American, 0.0013%; no homozygotes.

Submission:

Ambry Genetics
Classification: Uncertain significance for Hereditary cancer-predisposing syndrome. Last evaluated: 2022-05-17. Review status: criteria provided, single submitter. Criteria: Ambry Variant Classification Scheme 2023. Collection method: clinical testing. Allele origin: germline.
Comment: The p.V207M variant (also known as c.619G>A), located in coding exon 6 of the EPCAM gene, results from a G to A substitution at nucleotide position 619. The valine at codon 207 is replaced by methionine, an amino acid with highly similar properties. This amino acid position is conserved. In addition, the in silico prediction for this alteration is inconclusive. Since supporting evidence is limited at this time, the clinical significance of this alteration remains unclear.